The following is an entry in ClinVar:

NM_021224.6(ZNF462):c.99A>G (p.Pro33=)

Gene: ZNF462 (zinc finger protein 462; plus strand). Cytogenetic location: 9q31.2.
Variant type: single nucleotide variant.
Coding change: c.99A>G on transcript NM_021224.6 (MANE Select); coding-DNA position 99, A replaced by G.
Protein change: p.Pro33=; no amino-acid change (proline 33 retained).
Molecular consequence: synonymous variant.
Genome position (GRCh38, 1-based): chr9:106,923,482, A>G. VCF-style: chr9-106923482-A-G. GRCh37 (hg19) VCF-style: chr9-109685763-A-G.
Other names: c.99A>G, p.Pro33= (NM_001347997.2).
Identifiers: ClinVar variation 4534927 (VCV004534927.6).

ClinVar aggregate classification (germline): Likely benign (1 of 4 stars; one submission).

Submission:

CeGaT Center for Human Genetics Tuebingen
Classification: Likely benign. Last evaluated: 2025-10-01. Review status: criteria provided, single submitter. Criteria: CeGaT Center For Human Genetics Tuebingen Variant Classification Criteria Version 2. Collection method: clinical testing. Allele origin: germline. Affected: yes. Observed: 1 variant allele.
Comment: ZNF462: PM2:Supporting, BP4, BP7